The following is an entry in ClinVar:

ClinVar aggregate classification (germline): Likely benign (1 of 4 stars; one submission).

gnomAD v4.1: 52 of 1,601,212 alleles (0.0032%); highest among the groups gnomAD compares: Non-Finnish European, 0.0043%; no homozygotes.

Submission:

CeGaT Center for Human Genetics Tuebingen
Classification: Likely benign. Last evaluated: 2026-01-01. Review status: criteria provided, single submitter. Criteria: CeGaT Center For Human Genetics Tuebingen Variant Classification Criteria Version 2. Collection method: clinical testing. Allele origin: germline. Affected: yes. Observed: 2 variant alleles.
Comment: KDM4B: BS2

NM_015015.3(KDM4B):c.2291G>A (p.Cys764Tyr)

Gene: KDM4B (lysine demethylase 4B; plus strand). Cytogenetic location: 19p13.3.
Variant type: single nucleotide variant.
Coding change: c.2291G>A on transcript NM_015015.3 (MANE Select); coding-DNA position 2291, G replaced by A.
Protein change: p.Cys764Tyr; replaces cysteine 764 with tyrosine.
Molecular consequence: missense variant.
Genome position (GRCh38, 1-based): chr19:5,135,544, G>A. VCF-style: chr19-5135544-G-A. GRCh37 (hg19) VCF-style: chr19-5135555-G-A.
Other names: c.2393G>A, p.Cys798Tyr (NM_001411148.1); short protein forms C764Y, C798Y.
Identifiers: ClinVar variation 4820691 (VCV004820691.4).